The following is an entry in ClinVar:

NM_170707.4(LMNA):c.1851C>T (p.Ala617=)

Gene: LMNA (lamin A/C; plus strand). Cytogenetic location: 1q22.
Variant type: single nucleotide variant.
Coding change: c.1851C>T on transcript NM_170707.4 (MANE Select); coding-DNA position 1851, C replaced by T.
Protein change: p.Ala617=; no amino-acid change (alanine 617 retained).
Molecular consequence: synonymous variant. On other transcripts: intron variant (1).
Genome position (GRCh38, 1-based): chr1:156,138,640, C>T. VCF-style: chr1-156138640-C-T. GRCh37 (hg19) VCF-style: chr1-156108431-C-T.
Other names: c.1227C>T, p.Ala409= (NM_001407000.1, NM_001407001.1, NM_001406994.1 and 1 more transcripts); c.1761C>T, p.Ala587= (NM_170708.4); c.1818+33C>T (NM_001282626.2); c.1515C>T, p.Ala505= (NM_001257374.3, NM_001406989.1); c.1851C>T, p.Ala617= (NM_001406983.1, NM_001406985.1, NM_001406991.1); c.1608C>T, p.Ala536= (NM_001406986.1, NM_001406987.1); c.1554C>T, p.Ala518= (NM_001406988.1); c.1293C>T, p.Ala431= (NM_001406990.1, NM_001406993.1, NM_001406995.1 and 2 more transcripts).
Identifiers: ClinVar variation 48054 (VCV000048054.52), dbSNP rs143189394, ClinGen allele CA015217.

ClinVar aggregate classification (germline): Conflicting classifications of pathogenicity. Review status: criteria provided, conflicting classifications (1 of 4 stars). 16 submissions from 16 submitters: Uncertain significance (1); Benign (9); Likely benign (4). 2 of the submissions do not count toward it. Last evaluated 2026-02-03.

Conditions:
Charcot-Marie-Tooth disease. Also called: Charcot-Marie-Tooth Hereditary Neuropathy; Charcot-Marie-Tooth Neuropathy. Identifiers: Orphanet 166, MedGen C0007959, MONDO:0015626.
Charcot-Marie-Tooth disease type 2. Also called: Charcot-Marie-Tooth type 2. Identifiers: Orphanet 64746, MedGen C0270914, MONDO:0018993.
Cardiovascular phenotype. Identifiers: MedGen CN230736.
Cardiomyopathy (CMYO). Also called: Cardiomyopathies. Identifiers: Orphanet 167848, MedGen C0878544, MONDO:0004994, HP:0001638. Inheritance: Various modes of inheritance.
Primary dilated cardiomyopathy (DCM). Also called: Dilated Cardiomyopathy. Identifiers: Orphanet 217604, MedGen C0007193, MeSH D002311, MONDO:0005021, HP:0001644. Inheritance: Various modes of inheritance.

Allele frequency attached by ClinVar (database versions not stated): gnomAD exomes 0.00011 and 0.00029; gnomAD 0.00158 and 0.00151; TOPMed 0.00168; ExAC 0.00044; ESP Exome Variant Server 0.00154; 1000 Genomes Project 0.00180; 1000 Genomes Project 30x 0.00187.
gnomAD v4.1: 393 of 1,613,546 alleles (0.024%); highest among the groups gnomAD compares: African/African-American, 0.49%; no homozygotes.

Submissions (16):

Labcorp Genetics (formerly Invitae), Labcorp
Classification: Benign for Charcot-Marie-Tooth disease type 2. Last evaluated: 2026-02-03. Review status: criteria provided, single submitter. Criteria: Invitae Variant Classification Sherloc (09022015). Collection method: clinical testing. Allele origin: germline.

Molecular Diagnostic Laboratory for Inherited Cardiovascular Disease, Montreal Heart Institute
Classification: Benign. Last evaluated: 2025-04-09. Review status: criteria provided, single submitter. Criteria: ACMG Guidelines, 2015. Collection method: clinical testing. Allele origin: germline. Affected: no.

Blueprint Genetics
Classification: Likely benign. Last evaluated: 2024-11-05. Review status: criteria provided, single submitter. Criteria: ACMG Guidelines, 2015. Collection method: clinical testing. Allele origin: germline.

CeGaT Center for Human Genetics Tuebingen
Classification: Likely benign. Last evaluated: 2024-04-01. Review status: criteria provided, single submitter. Criteria: CeGaT Center For Human Genetics Tuebingen Variant Classification Criteria Version 2. Collection method: clinical testing. Allele origin: germline. Affected: yes. Observed: 1 variant allele.
Comment: LMNA: BP4, BP7

All of Us Research Program, National Institutes of Health
Classification: Benign for Primary dilated cardiomyopathy. Last evaluated: 2024-02-05. Review status: criteria provided, single submitter. Criteria: ACMG Guidelines, 2015. Collection method: clinical testing. Allele origin: germline. Inheritance: Autosomal dominant inheritance. Observed: 86 variant alleles, 86 heterozygotes.
Comment: This study involves interpretation of variants in research participants for the purpose of population health screening. Participant phenotype was not available at the time of variant classification. Additional details can be found in publication PMID: 35346344, PMCID: PMC8962531

Ambry Genetics
Classification: Likely benign for Cardiovascular phenotype. Last evaluated: 2019-06-20. Review status: criteria provided, single submitter. Criteria: Ambry Variant Classification Scheme 2023. Collection method: clinical testing. Allele origin: germline.

Women's Health and Genetics/Laboratory Corporation of America, LabCorp
Classification: Benign. Last evaluated: 2018-05-29. Review status: criteria provided, single submitter. Criteria: LabCorp Variant Classification Summary - May 2015. Collection method: clinical testing. Allele origin: germline.
Comment: Variant summary: LMNA c.1851C>T alters a non-conserved nucleotide resulting in a synonymous change. 5/5 computational tools predict no significant impact on normal splicing. However, these predictions have yet to be confirmed by functional studies. The variant is found at a frequency of 0.000448 in the gnomAD database, but was observed predominantly in the African subpopulation at a frequency of 0.005139. The observed variant frequency within African control individuals in the gnomAD database is more than 20 fold above the estimated maximal expected allele frequency for a pathogenic variant in LMNA causing Cardiomyopathy phenotype (0.005139 vs. 0.00025), strongly suggesting that the variant is a benign polymorphism found primarily in populations of African origin. c.1851C>T has been reported in the literature, however this report does not provide unequivocal conclusions about association of the variant with Cardiomyopathy. To our knowledge, no experimental evidence demonstrating an impact on protein function has been reported. Four clinical diagnostic laboratories have submitted clinical-significance assessments for this variant to ClinVar after 2014 and all classified the variant as benign. Based on the evidence outlined above, the variant was classified as benign.

Color Diagnostics, LLC DBA Color Health
Classification: Benign for Cardiomyopathy. Last evaluated: 2018-03-23. Review status: criteria provided, single submitter. Criteria: ACMG Guidelines, 2015. Collection method: clinical testing. Allele origin: germline.

Eurofins Ntd Llc (ga)
Classification: Benign. Last evaluated: 2016-07-27. Review status: criteria provided, single submitter. Criteria: EGL Classification Definitions 2015. Collection method: clinical testing. Allele origin: germline. Observed: 3 variant alleles, 3 heterozygotes.

CHEO Genetics Diagnostic Laboratory, Children's Hospital of Eastern Ontario
Classification: Benign for Cardiomyopathy. Last evaluated: 2015-10-09. Review status: criteria provided, single submitter. Criteria: ACMG Guidelines, 2015. Collection method: clinical testing. Allele origin: germline. Study: Canadian Open Genetics Repository.

GeneDx
Classification: Benign. Last evaluated: 2015-04-16. Review status: criteria provided, single submitter. Criteria: GeneDx Variant Classification (06012015). Collection method: clinical testing. Allele origin: germline. Affected: yes.
Comment: This variant is considered likely benign or benign based on one or more of the following criteria: it is a conservative change, it occurs at a poorly conserved position in the protein, it is predicted to be benign by multiple in silico algorithms, and/or has population frequency not consistent with disease.

Genetic Services Laboratory, University of Chicago
Classification: Uncertain significance. Last evaluated: 2013-02-08. Review status: criteria provided, single submitter. Criteria: ACMG Guidelines, 2007. Collection method: clinical testing. Allele origin: germline. Affected: no.

Laboratory for Molecular Medicine, Mass General Brigham Personalized Medicine
Classification: Benign. Last evaluated: 2012-02-09. Review status: criteria provided, single submitter. Criteria: LMM Criteria. Collection method: clinical testing. Allele origin: germline. Observed: 3 variant alleles.
Comment: Ala617Ala in exon 11 of LMNA: This variant is not expected to have clinical sign ificance because it does not alter an amino acid residue, is not located within the splice consensus sequence and has been identified in 0.4% (16/3738) African American chromosomes by the NHLBI Exome Sequencing Project in a broad population (dbSNP rs143189394).

Molecular Genetics Laboratory, London Health Sciences Centre
Classification: Likely benign for Charcot-Marie-Tooth disease. Review status: criteria provided, single submitter. Criteria: ACMG Guidelines, 2015. Collection method: clinical testing. Allele origin: germline. Affected: yes.

Clinical Genetics, Academic Medical Center
Classification: Benign. Review status: no assertion criteria provided. Collection method: clinical testing. Allele origin: germline. Affected: yes. Study: VKGL Data-share Consensus. Not counted in ClinVar's aggregate classification.

Genome Diagnostics Laboratory, University Medical Center Utrecht
Classification: Likely benign. Review status: no assertion criteria provided. Collection method: clinical testing. Allele origin: germline. Affected: yes. Study: VKGL Data-share Consensus. Not counted in ClinVar's aggregate classification.

Literature cited by the submitters: PubMed 28663758 (cited by Women's Health and Genetics/Laboratory Corporation of America, LabCorp).